The following is an entry in ClinVar:

ClinVar aggregate classification (germline): Uncertain significance. Review status: criteria provided, single submitter (1 of 4 stars). 2 submissions from 2 submitters: Uncertain significance (1). 1 of the submissions does not count toward it. Last evaluated 2022-11-29.

Conditions:
KSR2-related disorder. Also called: KSR2-related condition.

Allele frequency attached by ClinVar (database versions not stated): TOPMed below 0.00001; gnomAD 0.00001.
gnomAD v4.1: 5 of 1,609,336 alleles (0.00031%); highest among the groups gnomAD compares: Admixed American, 0.005%; no homozygotes.

Submissions (2):

Labcorp Genetics (formerly Invitae), Labcorp
Classification: Uncertain significance. Last evaluated: 2022-11-29. Review status: criteria provided, single submitter. Criteria: Invitae Variant Classification Sherloc (09022015). Collection method: clinical testing. Allele origin: germline.
Comment: This sequence change replaces asparagine, which is neutral and polar, with histidine, which is basic and polar, at codon 254 of the KSR2 protein (p.Asn254His). This variant is present in population databases (no rsID available, gnomAD 0.006%). This variant has not been reported in the literature in individuals affected with KSR2-related conditions. Algorithms developed to predict the effect of missense changes on protein structure and function are either unavailable or do not agree on the potential impact of this missense change (SIFT: "Deleterious"; PolyPhen-2: "Benign"; Align-GVGD: "Class C0"). In summary, the available evidence is currently insufficient to determine the role of this variant in disease. Therefore, it has been classified as a Variant of Uncertain Significance.

PreventionGenetics, part of Exact Sciences
Classification: Uncertain significance for KSR2-related condition. Last evaluated: 2024-04-17. Review status: no assertion criteria provided. Collection method: clinical testing. Allele origin: germline. Not counted in ClinVar's aggregate classification.
Comment: The KSR2 c.760A>C variant is predicted to result in the amino acid substitution p.Asn254His. To our knowledge, this variant has not been reported in the literature. This variant is reported in 0.0059% of alleles in individuals of Latino descent in gnomAD. At this time, the clinical significance of this variant is uncertain due to the absence of conclusive functional and genetic evidence.

NM_173598.6(KSR2):c.847A>C (p.Asn283His)

Gene: KSR2 (kinase suppressor of ras 2; minus strand). Cytogenetic location: 12q24.23.
Variant type: single nucleotide variant.
Coding change: c.847A>C on transcript NM_173598.6 (MANE Select); coding-DNA position 847, A replaced by C.
Protein change: p.Asn283His; replaces asparagine 283 with histidine.
Molecular consequence: missense variant.
Genome position (GRCh38, 1-based): chr12:117,761,150, T>G on the plus strand (A>C on the coding strand, the complement: KSR2 is on the minus strand). VCF-style: chr12-117761150-T-G. GRCh37 (hg19) VCF-style: chr12-118198955-T-G.
Other names: c.760A>C (NM_173598.4); short protein forms N283H.
Identifiers: ClinVar variation 2995782 (VCV002995782.4), dbSNP rs1484440762, ClinGen allele CA386938884.